The following is an entry in ClinVar:

ClinVar aggregate classification (germline): Uncertain significance (1 of 4 stars; one submission).

Allele frequency attached by ClinVar (database versions not stated): ExAC 0.00002; TOPMed 0.00002.
gnomAD v4.1: 10 of 1,613,992 alleles (0.00062%); highest among the groups gnomAD compares: Admixed American, 0.017%; no homozygotes.

Submission:

Labcorp Genetics (formerly Invitae), Labcorp
Classification: Uncertain significance. Last evaluated: 2022-07-12. Review status: criteria provided, single submitter. Criteria: Invitae Variant Classification Sherloc (09022015). Collection method: clinical testing. Allele origin: germline.
Comment: This sequence change replaces glutamine, which is neutral and polar, with lysine, which is basic and polar, at codon 566 of the USH2A protein (p.Gln566Lys). This variant is present in population databases (rs767742135, gnomAD 0.03%). This variant has not been reported in the literature in individuals affected with USH2A-related conditions. Algorithms developed to predict the effect of missense changes on protein structure and function (SIFT, PolyPhen-2, Align-GVGD) all suggest that this variant is likely to be tolerated. In summary, the available evidence is currently insufficient to determine the role of this variant in disease. Therefore, it has been classified as a Variant of Uncertain Significance.

NM_206933.4(USH2A):c.1696C>A (p.Gln566Lys)

Gene: USH2A (usherin; minus strand). Cytogenetic location: 1q41.
Variant type: single nucleotide variant.
Coding change: c.1696C>A on transcript NM_206933.4 (MANE Select); coding-DNA position 1696, C replaced by A.
Protein change: p.Gln566Lys; replaces glutamine 566 with lysine.
Molecular consequence: missense variant.
Genome position (GRCh38, 1-based): chr1:216,292,319, G>T on the plus strand (C>A on the coding strand, the complement: USH2A is on the minus strand). VCF-style: chr1-216292319-G-T. GRCh37 (hg19) VCF-style: chr1-216465661-G-T.
Other names: c.1696C>A, p.Gln566Lys (NM_007123.6); short protein forms Q566K.
Identifiers: ClinVar variation 2180382 (VCV002180382.1), dbSNP rs767742135, ClinGen allele CA1396422.